The following continues an entry in ClinVar:

NM_000179.3(MSH6):c.3334G>A (p.Asp1112Asn)

Gene: MSH6. ClinVar aggregate classification (germline): Conflicting classifications of pathogenicity. Uncertain significance (15); Likely benign (2).

Submissions 13 to 18 of 18:

PreventionGenetics, part of Exact Sciences
Classification: Uncertain significance for MSH6-related condition. Last evaluated: 2023-08-29. Review status: criteria provided, single submitter. Criteria: ACMG Guidelines, 2015. Collection method: clinical testing. Allele origin: germline.
Comment: The MSH6 c.3334G>A variant is predicted to result in the amino acid substitution p.Asp1112Asn. This variant has been reported in an individual with colorectal cancer or polyps (Supplemental Tables, Gordon et al. 2019. PubMed ID: 31422818) and has also been reported in an individual with kidney renal clear cell carcinoma (KIRC) (Supplementary Data 12, Lu et al. 2015. PubMed ID: 26689913). This variant has also been reported in three individuals with breast cancer and six control individuals (Supplemental Data, Breast Cancer Association Consortium et al. 2021. PubMed ID: 33471991). This variant is reported in 0.0062% of alleles in individuals of European (Non-Finnish) descent in gnomAD and has conflicting interpretations regarding its pathogenicity in ClinVar, ranging from uncertain to likely benign. At this time, the clinical significance of this variant is uncertain due to the absence of conclusive functional and genetic evidence.

St. Jude Molecular Pathology, St. Jude Children's Research Hospital
Classification: Uncertain significance for Lynch syndrome 5. Last evaluated: 2022-08-03. Review status: criteria provided, single submitter. Criteria: St. Jude Assertion Criteria 2020. Collection method: clinical testing. Allele origin: germline.
Comment: The MSH6 c.3334G>A (p.Asp1112Asn) missense change has a maximum subpopulation frequency of 0.0062% in gnomAD v2.1.1. The in silico tool REVEL predicts a deleterious effect on protein function, but to our knowledge this prediction has not been confirmed by functional studies. To our knowledge, this variant has not been reported in individuals with Lynch syndrome or constitutional mismatch repair deficiency. In summary, the evidence currently available is insufficient to determine the clinical significance of this variant. It has therefore been classified as of uncertain significance.

Sema4
Classification: Uncertain significance for Hereditary cancer-predisposing syndrome. Last evaluated: 2021-09-25. Review status: criteria provided, single submitter. Criteria: Sema4 Curation Guidelines. Collection method: curation. Allele origin: germline.
Comment: The MSH6 c.3334G>A (p.D1112N) variant has been reported in heterozygosity in at least one individual with kidney cancer (PMID: 26689913). This variant has also been reported in 3/60466 breast cancer cases and 6/53461 healthy controls by a large case-control study (PMID: 33471991). It was observed in 8/129078 chromosomes of the Non-Finnish European subpopulation in the large and broad cohorts of the Genome Aggregation Database (PMID: 32461654). The variant has been reported in ClinVar (Variation ID 220784). In silico tools suggest the impact of the variant on protein function is deleterious, though these predictions have not been confirmed by functional studies. The evidence is insufficient to meet ACMG/AMP criteria for classifying the variant as benign or pathogenic. Thus, the clinical significance of this variant is currently uncertain.

Quest Diagnostics Nichols Institute San Juan Capistrano
Classification: Uncertain significance. Last evaluated: 2019-08-19. Review status: criteria provided, single submitter. Criteria: Quest Diagnostics criteria. Collection method: clinical testing. Allele origin: germline.

Laboratory for Molecular Medicine, Mass General Brigham Personalized Medicine
Classification: Uncertain significance. Last evaluated: 2016-11-15. Review status: criteria provided, single submitter. Criteria: LMM Criteria. Collection method: clinical testing. Allele origin: germline. Observed: 1 variant allele.
Comment: The p.Asp1112Asn variant in MSH6 has not been previously reported in individuals with colorectal cancer but has been identified in 4/66730 European chromosomes by the Exome Aggregation Consortium (ExAC; dbSNP rs773955368). Computational prediction tools are ambiguous but multiple species (including one mammal) carry the variant amino acid, raising the possibility th at this change is tolerated. However this is insufficient to rule out a role in disease. In summary, the clinical significance of the p.Asp1112Asn variant is un certain.

Counsyl
Classification: Uncertain significance for Lynch syndrome 5. Last evaluated: 2018-03-09. Review status: no assertion criteria provided. Collection method: clinical testing. Allele origin: unknown. Not counted in ClinVar's aggregate classification.

Literature cited by the submitters: PubMed 27363726 (cited by Myriad Genetics, Inc.); PubMed 31422818 (cited by Color Diagnostics, LLC DBA Color Health and Ambry Genetics); PubMed 26689913 (cited by 3 submitters); PubMed 33471991 (cited by Sema4).